The following is an entry in ClinVar:

NM_003742.4(ABCB11):c.390-1G>A

Gene: ABCB11 (ATP binding cassette subfamily B member 11; minus strand). Cytogenetic location: 2q31.1.
Variant type: single nucleotide variant.
Coding change: c.390-1G>A on transcript NM_003742.4 (MANE Select); the canonical splice acceptor site of the intron before coding-DNA position 390, G replaced by A.
Molecular consequence: splice acceptor variant.
Genome position (GRCh38, 1-based): chr2:168,996,723, C>T on the plus strand (G>A on the coding strand, the complement: ABCB11 is on the minus strand). VCF-style: chr2-168996723-C-T. GRCh37 (hg19) VCF-style: chr2-169853233-C-T.
Other names: NM_003742.4:c.390-1G>A.
Identifiers: ClinVar variation 3776882 (VCV003776882.2).

ClinVar aggregate classification (germline): Pathogenic. Review status: criteria provided, multiple submitters, no conflicts (2 of 4 stars). 2 submissions from 2 submitters: Pathogenic (2). Last evaluated 2026-04-14.

Conditions:
Familial intrahepatic cholestasis. Identifiers: Orphanet 284385, MedGen CN296401, MONDO:0017290.
Progressive familial intrahepatic cholestasis type 2. Identifiers: Orphanet 79304, MedGen C3489789, MONDO:0011156, OMIM 601847.

gnomAD v4.1: 1 of 1,541,526 alleles (0.000065%); highest among the groups gnomAD compares: Non-Finnish European, 0.000088%; no homozygotes.

Submissions (2):

Genomenon, Inc
Classification: Pathogenic for Familial intrahepatic cholestasis. Last evaluated: 2026-04-14. Review status: criteria provided, single submitter. Criteria: Genomenon Sequence Variant Interpretation Standards - Updated. Collection method: curation. Allele origin: germline. Affected: yes.
Comment: ABCB11 c.390-1G>A is a canonical splice variant affecting the acceptor splice site of intron 5. It is predicted to affect mRNA splicing, leading to a deleterious effect on the ABCB11 protein. This variant has been observed in at least one proband with an ABCB11-related disorder (PMID:18395098). The variant was found to segregate with disease in at least one affected family (PMID:18395098). It is absent or not present at a significant frequency in gnomAD. In conclusion, we classify ABCB11 c.390-1G>A as a pathogenic variant.

Broad Center for Mendelian Genomics, Broad Institute of MIT and Harvard
Classification: Pathogenic for Progressive familial intrahepatic cholestasis type 2. Last evaluated: 2025-02-04. Review status: criteria provided, single submitter. Criteria: ACMG Guidelines, 2015. Collection method: curation. Allele origin: germline. Inheritance: Autosomal recessive inheritance.
Comment: The c.390-1G>A variant in ABCB11 has been reported, in the homozygous state, in 2 related individuals with BSEP deficiency (PMID: 18395098), and has been identified in 0.00009% (1/1139096) of European (non-Finnish) chromosomes by the Genome Aggregation Database (gnomAD). Although this variant has been seen in the general population in a heterozygous state, its frequency is low enough to be consistent with a recessive carrier frequency. This variant is located in the 5' splice region. Computational tools predict a splicing impact, though this information is not predictive enough to determine pathogenicity. Loss of function of the ABCB11 gene is an established disease mechanism in autosomal recessive BSEP deficiency. In summary, this variant meets criteria to be classified as pathogenic for autosomal recessive BSEP deficiency. ACMG/AMP Criteria applied: PVS1, PM2_supporting, PM3_supporting (Richards 2015).

Literature cited by the submitters: PubMed 18395098 (cited by Genomenon, Inc).